The following is an entry in ClinVar:

NM_005477.3(HCN4):c.1090G>T (p.Asp364Tyr)

Genes: HCN4 (hyperpolarization activated cyclic nucleotide gated potassium channel 4; minus strand), LOC126862173 (CDK7 strongly-dependent group 2 enhancer GRCh37_chr15:73635762-73636961; plus strand), LOC105370890 (uncharacterized LOC105370890; plus strand). Cytogenetic location: 15q24.1.
Variant type: single nucleotide variant.
Coding change: c.1090G>T on transcript NM_005477.3 (MANE Select); coding-DNA position 1090, G replaced by T.
Protein change: p.Asp364Tyr; replaces aspartic acid 364 with tyrosine.
Molecular consequence: missense variant.
Genome position (GRCh38, 1-based): chr15:73,343,504, C>A on the plus strand (G>T on the coding strand, the complement: HCN4 is on the minus strand). VCF-style: chr15-73343504-C-A. GRCh37 (hg19) VCF-style: chr15-73635845-C-A.
Other names: short protein forms D364Y.
Identifiers: ClinVar variation 519419 (VCV000519419.9), dbSNP rs151004999, ClinGen allele CA393094871.

ClinVar aggregate classification (germline): Uncertain significance. Review status: criteria provided, multiple submitters, no conflicts (2 of 4 stars). 3 submissions from 3 submitters: Uncertain significance (3). Last evaluated 2023-05-25.

Conditions:
Brugada syndrome 8 (BRGDA8). Identifiers: Orphanet 130, MedGen C2751083, MONDO:0013148, OMIM 613123.
Sick sinus syndrome 2, autosomal dominant (SSS2). Also called: ATRIAL FIBRILLATION WITH BRADYARRHYTHMIA; SICK SINUS SYNDROME 2; SICK SINUS SYNDROME 2 WITH OR WITHOUT CARDIAC NONCOMPACTION AND/OR ASCENDING AORTA DILATION; SINUS BRADYCARDIA SYNDROME, FAMILIAL, AUTOSOMAL DOMINANT; SINUS NODE DISEASE, FAMILIAL, AUTOSOMAL DOMINANT. Identifiers: Orphanet 166282, MedGen C1834144, MONDO:0008102, OMIM 163800.
Epilepsy, idiopathic generalized, susceptibility to, 18. Identifiers: MedGen C5561983, MONDO:0030434, OMIM 619521.
Cardiovascular phenotype. Identifiers: MedGen CN230736.

gnomAD v4.1: 14 of 1,614,038 alleles (0.00087%); highest among the groups gnomAD compares: Non-Finnish European, 0.00093%; no homozygotes.

Submissions (3):

Labcorp Genetics (formerly Invitae), Labcorp
Classification: Uncertain significance for Brugada syndrome 8. Last evaluated: 2023-05-25. Review status: criteria provided, single submitter. Criteria: Invitae Variant Classification Sherloc (09022015). Collection method: clinical testing. Allele origin: germline.
Comment: In summary, the available evidence is currently insufficient to determine the role of this variant in disease. Therefore, it has been classified as a Variant of Uncertain Significance. This sequence change replaces aspartic acid, which is acidic and polar, with tyrosine, which is neutral and polar, at codon 364 of the HCN4 protein (p.Asp364Tyr). This variant is not present in population databases (gnomAD no frequency). This variant has not been reported in the literature in individuals affected with HCN4-related conditions. ClinVar contains an entry for this variant (Variation ID: 519419). Advanced modeling of protein sequence and biophysical properties (such as structural, functional, and spatial information, amino acid conservation, physicochemical variation, residue mobility, and thermodynamic stability) performed at Invitae indicates that this missense variant is not expected to disrupt HCN4 protein function.

Fulgent Genetics
Classification: Uncertain significance for Sick sinus syndrome 2, autosomal dominant; Brugada syndrome 8; Epilepsy, idiopathic generalized, susceptibility to, 18. Last evaluated: 2021-07-12. Review status: criteria provided, single submitter. Criteria: ACMG Guidelines, 2015. Collection method: clinical testing. Allele origin: unknown.

Ambry Genetics
Classification: Uncertain significance for Cardiovascular phenotype. Last evaluated: 2017-03-22. Review status: criteria provided, single submitter. Criteria: Ambry Variant Classification Scheme 2023. Collection method: clinical testing. Allele origin: germline.
Comment: The p.D364Y variant (also known as c.1090G>T), located in coding exon 2 of the HCN4 gene, results from a G to T substitution at nucleotide position 1090. The aspartic acid at codon 364 is replaced by tyrosine, an amino acid with highly dissimilar properties. This amino acid position is well conserved in available vertebrate species. In addition, this alteration is predicted to be deleterious by in silico analysis. Since supporting evidence is limited at this time, the clinical significance of this alteration remains unclear.